The following is an entry in ClinVar:

NM_002468.5(MYD88):c.602G>A (p.Gly201Asp)

Gene: MYD88 (MYD88 innate immune signal transduction adaptor; plus strand). Cytogenetic location: 3p22.2.
Variant type: single nucleotide variant.
Coding change: c.602G>A on transcript NM_002468.5 (MANE Select); coding-DNA position 602, G replaced by A.
Protein change: p.Gly201Asp; replaces glycine 201 with aspartic acid.
Molecular consequence: missense variant. On other transcripts: intron variant (2).
Genome position (GRCh38, 1-based): chr3:38,140,526, G>A. VCF-style: chr3-38140526-G-A. GRCh37 (hg19) VCF-style: chr3-38182017-G-A.
Other names: c.602G>A, p.Gly201Asp (NM_001172567.2, NM_001365876.1, NM_001374787.1); c.467G>A, p.Gly156Asp (NM_001172568.2, NM_001365877.1); c.464-231G>A (NM_001172569.3); c.329-231G>A (NM_001172566.2); short protein forms G156D, G201D.
Identifiers: ClinVar variation 1004141 (VCV001004141.2), dbSNP rs1701052219, ClinGen allele CA352132870.

ClinVar aggregate classification (germline): Uncertain significance (1 of 4 stars; one submission).

Conditions:
Pyogenic bacterial infections due to MyD88 deficiency (IMD68). Also called: PYOGENIC BACTERIAL INFECTIONS, RECURRENT, DUE TO MYD88 DEFICIENCY. Identifiers: Orphanet 183713, MedGen C2677092, MONDO:0012839, OMIM 612260.

Submission:

Labcorp Genetics (formerly Invitae), Labcorp
Classification: Uncertain significance for Pyogenic bacterial infections due to MyD88 deficiency. Last evaluated: 2021-08-27. Review status: criteria provided, single submitter. Criteria: Invitae Variant Classification Sherloc (09022015). Collection method: clinical testing. Allele origin: germline.
Comment: This sequence change replaces glycine with aspartic acid at codon 214 of the MYD88 protein (p.Gly214Asp). The glycine residue is highly conserved and there is a moderate physicochemical difference between glycine and aspartic acid. This variant is not present in population databases (ExAC no frequency). This variant has not been reported in the literature in individuals affected with MYD88-related conditions. Algorithms developed to predict the effect of missense changes on protein structure and function (SIFT, PolyPhen-2, Align-GVGD) all suggest that this variant is likely to be disruptive. In summary, the available evidence is currently insufficient to determine the role of this variant in disease. Therefore, it has been classified as a Variant of Uncertain Significance.